The following is an entry in ClinVar:

ClinVar aggregate classification (germline): Conflicting classifications of pathogenicity. Review status: criteria provided, conflicting classifications (1 of 4 stars). 2 submissions from 2 submitters: Likely pathogenic (1); Uncertain significance (1). Last evaluated 2025-03-26.

Conditions:
Emery-Dreifuss muscular dystrophy 4, autosomal dominant (EDMD4). Also called: EMERY-DREIFUSS MUSCULAR DYSTROPHY 4 WITH VARIABLE FEATURES. Identifiers: Orphanet 261, MedGen C2751807, MONDO:0013071, OMIM 612998.
Autosomal recessive ataxia, Beauce type. Also called: Spinocerebellar ataxia, autosomal recessive 8; ATAXIA, RECESSIVE, OF BEAUCE; SYNE1-Related Autosomal Recessive Cerebellar Ataxia; SYNE1 Deficiency. Identifiers: Orphanet 88644, MedGen C1853116, MONDO:0012549, OMIM 610743.

Allele frequency attached by ClinVar (database versions not stated): TOPMed below 0.00001; gnomAD 0.00001.
gnomAD v4.1: 1 of 1,613,276 alleles (0.000062%); highest among the groups gnomAD compares: Non-Finnish European, 0.000085%; no homozygotes.

Submissions (3):

Labcorp Genetics (formerly Invitae), Labcorp
Classification: Likely pathogenic for Emery-Dreifuss muscular dystrophy 4, autosomal dominant; Autosomal recessive ataxia, Beauce type. Last evaluated: 2025-03-26. Review status: criteria provided, single submitter. Criteria: Invitae Variant Classification Sherloc (09022015). Collection method: clinical testing. Allele origin: germline.
Comment: This sequence change affects a donor splice site in intron 74 of the SYNE1 gene. It is expected to disrupt RNA splicing. Variants that disrupt the donor or acceptor splice site typically lead to a loss of protein function (PMID: 16199547), and loss-of-function variants in SYNE1 are known to be pathogenic (PMID: 19542096, 24319099, 27086870). This variant is not present in population databases (gnomAD no frequency). This variant has not been reported in the literature in individuals affected with SYNE1-related conditions. ClinVar contains an entry for this variant (Variation ID: 2684028). Algorithms developed to predict the effect of sequence changes on RNA splicing suggest that this variant may disrupt the consensus splice site. In summary, the currently available evidence indicates that the variant is pathogenic, but additional data are needed to prove that conclusively. Therefore, this variant has been classified as Likely Pathogenic.

Athena Diagnostics
Classification: Uncertain significance. Last evaluated: 2023-03-02. Review status: criteria provided, single submitter. Criteria: Athena Diagnostics Criteria. Collection method: clinical testing. Allele origin: unknown.
Comment: Available data are insufficient to determine the clinical significance of the variant at this time. The frequency of this variant in the general population is uninformative in assessment of its pathogenicity. This variant is not expected to cause loss of protein expression through nonsense-mediated decay, however, it may still disrupt function. Computational tools yielded predictions that this variant may interfere with normal RNA splicing.

Dr. Peter K. Rogan Lab, Western University
No classification provided (evidence only). Condition: Thyroid cancer, nonmedullary, 1. Review status: no classification provided. Collection method: in vitro. Allele origin: not applicable. Functional consequence: retained intron. Not counted in ClinVar's aggregate classification.

Literature cited by the submitters: PubMed 16199547 (cited by Labcorp Genetics (formerly Invitae), Labcorp); PubMed 19542096 (cited by Labcorp Genetics (formerly Invitae), Labcorp); PubMed 24319099 (cited by Labcorp Genetics (formerly Invitae), Labcorp); PubMed 27086870 (cited by Labcorp Genetics (formerly Invitae), Labcorp).

NM_182961.4(SYNE1):c.12351+1G>A

Gene: SYNE1 (spectrin repeat containing nuclear envelope protein 1; minus strand). Cytogenetic location: 6q25.2.
Variant type: single nucleotide variant.
Coding change: c.12351+1G>A on transcript NM_182961.4 (MANE Select); the canonical splice donor site of the intron after coding-DNA position 12351, G replaced by A.
Molecular consequence: splice donor variant.
Genome position (GRCh38, 1-based): chr6:152,339,240, C>T on the plus strand (G>A on the coding strand, the complement: SYNE1 is on the minus strand). VCF-style: chr6-152339240-C-T. GRCh37 (hg19) VCF-style: chr6-152660375-C-T.
Other names: NC_000006.11:g.152660375C>T; c.12138+1G>A (NM_033071.5).
Identifiers: ClinVar variation 2684028 (VCV002684028.3), dbSNP rs1337751426, ClinGen allele CA366109506.